The following is an entry in ClinVar:

ClinVar aggregate classification (germline): Uncertain significance (1 of 4 stars; one submission).

gnomAD v4.1: 39 of 1,492,006 alleles (0.0026%); highest among the groups gnomAD compares: Middle Eastern, 0.046%; no homozygotes.

Submission:

Labcorp Genetics (formerly Invitae), Labcorp
Classification: Uncertain significance. Last evaluated: 2025-07-06. Review status: criteria provided, single submitter. Criteria: Invitae Variant Classification Sherloc (09022015). Collection method: clinical testing. Allele origin: germline.
Comment: This sequence change replaces proline, which is neutral and non-polar, with glutamine, which is neutral and polar, at codon 24 of the SPEG protein (p.Pro24Gln). This variant is present in population databases (rs755982216, gnomAD 0.03%). This variant has not been reported in the literature in individuals affected with SPEG-related conditions. ClinVar contains an entry for this variant (Variation ID: 3611828). An algorithm developed to predict the effect of missense changes on protein structure and function (PolyPhen-2) suggests that this variant is likely to be disruptive. In summary, the available evidence is currently insufficient to determine the role of this variant in disease. Therefore, it has been classified as a Variant of Uncertain Significance.

NM_005876.5(SPEG):c.71C>A (p.Pro24Gln)

Gene: SPEG (striated muscle enriched protein kinase; plus strand). Cytogenetic location: 2q35.
Variant type: single nucleotide variant.
Coding change: c.71C>A on transcript NM_005876.5 (MANE Select); coding-DNA position 71, C replaced by A.
Protein change: p.Pro24Gln; replaces proline 24 with glutamine.
Molecular consequence: missense variant.
Genome position (GRCh38, 1-based): chr2:219,435,048, C>A. VCF-style: chr2-219435048-C-A. GRCh37 (hg19) VCF-style: chr2-220299770-C-A.
Other names: short protein forms P24Q.
Identifiers: ClinVar variation 3611828 (VCV003611828.2).